The following is an entry in ClinVar:

ClinVar aggregate classification (germline): Uncertain significance (1 of 4 stars; one submission).

Submission:

GeneDx
Classification: Uncertain significance. Last evaluated: 2023-02-02. Review status: criteria provided, single submitter. Criteria: GeneDx Variant Classification Process June 2021. Collection method: clinical testing. Allele origin: germline. Affected: yes.
Comment: Not observed at significant frequency in large population cohorts (gnomAD); In silico analysis supports that this missense variant does not alter protein structure/function; Has not been previously published as pathogenic or benign to our knowledge

NM_002739.5(PRKCG):c.202G>A (p.Val68Ile)

Gene: PRKCG (protein kinase C gamma; plus strand). Cytogenetic location: 19q13.42.
Variant type: single nucleotide variant.
Coding change: c.202G>A on transcript NM_002739.5 (MANE Select); coding-DNA position 202, G replaced by A.
Protein change: p.Val68Ile; replaces valine 68 with isoleucine.
Molecular consequence: missense variant.
Genome position (GRCh38, 1-based): chr19:53,883,194, G>A. VCF-style: chr19-53883194-G-A. GRCh37 (hg19) VCF-style: chr19-54386448-G-A.
Other names: c.202G>A, p.Val68Ile (NM_001316329.2); short protein forms V68I.
Identifiers: ClinVar variation 2574840 (VCV002574840.1), dbSNP rs2514544262, ClinGen allele CA407412499.
Genomic context (GRCh38, chr19:53,883,194, plus strand): 5'-CACTGACCTAGGATCCCTGACTCTTCCAGGGGTATCGGAAAGCAGGGCCTGCAATGTCAA[G>A]GTAAGAGCTGGGGACCGGGGCTCCTGGGACCCTCAGGAGGGTGGAGGCTGGGGCCCCACA-3'
Protein context (NP_002730.1, residues 58-78): GIGKQGLQCQ[Val68Ile]CSFVVHRRCH